The following is an entry in ClinVar:

NM_001288705.3(CSF1R):c.1728G>A (p.Glu576=)

Gene: CSF1R (colony stimulating factor 1 receptor; minus strand). Cytogenetic location: 5q32.
Variant type: single nucleotide variant.
Coding change: c.1728G>A on transcript NM_001288705.3 (MANE Select); coding-DNA position 1728, G replaced by A.
Protein change: p.Glu576=; no amino-acid change (glutamic acid 576 retained).
Molecular consequence: synonymous variant. On other transcripts: non-coding transcript variant (2).
Genome position (GRCh38, 1-based): chr5:150,061,748, C>T on the plus strand (G>A on the coding strand, the complement: CSF1R is on the minus strand). VCF-style: chr5-150061748-C-T. GRCh37 (hg19) VCF-style: chr5-149441311-C-T.
Other names: c.1728G>A, p.Glu576= (NM_001349736.2, NM_001375320.1, NM_005211.4); c.1284G>A, p.Glu428= (NM_001375321.1).
Identifiers: ClinVar variation 904826 (VCV000904826.7), dbSNP rs549280708, ClinGen allele CA3506728.

ClinVar aggregate classification (germline): Benign. Review status: criteria provided, multiple submitters, no conflicts (2 of 4 stars). 2 submissions from 2 submitters: Benign (2). Last evaluated 2023-05-27.

Conditions:
Hereditary diffuse leukoencephalopathy with spheroids. Also called: LEUKOENCEPHALOPATHY, ADULT-ONSET, WITH AXONAL SPHEROIDS AND PIGMENTED GLIA. Identifiers: Orphanet 313808, MedGen C3711381, MONDO:0030796.

Allele frequency attached by ClinVar (database versions not stated): gnomAD 0.00001 and 0.00005; ExAC 0.00013; gnomAD exomes 0.00014; 1000 Genomes Project 30x 0.00016; 1000 Genomes Project 0.00020.
gnomAD v4.1: 117 of 1,614,246 alleles (0.0072%); highest among the groups gnomAD compares: South Asian, 0.12%; 2 homozygotes.

Submissions (2):

Labcorp Genetics (formerly Invitae), Labcorp
Classification: Benign. Last evaluated: 2023-05-27. Review status: criteria provided, single submitter. Criteria: Invitae Variant Classification Sherloc (09022015). Collection method: clinical testing. Allele origin: germline.

Illumina Laboratory Services, Illumina
Classification: Benign for Leukoencephalopathy, diffuse hereditary, with spheroids 1. Last evaluated: 2018-01-13. Review status: criteria provided, single submitter. Criteria: ICSL Variant Classification Criteria 13 December 2019. Collection method: clinical testing. Allele origin: germline.
Comment: This variant was observed in the ICSL laboratory as part of a predisposition screen in an ostensibly healthy population. It had not been previously curated by ICSL or reported in the Human Gene Mutation Database (HGMD: prior to June 1st, 2018), and was therefore a candidate for classification through an automated scoring system. Utilizing variant allele frequency, disease prevalence and penetrance estimates, and inheritance mode, an automated score was calculated to assess if this variant is too frequent to cause the disease. Based on the score and internal cut-off values, a variant classified as benign is not then subjected to further curation. The score for this variant resulted in a classification of benign for this disease.